The following is an entry in ClinVar:

ClinVar aggregate classification (germline): Uncertain significance. Review status: criteria provided, multiple submitters, no conflicts (2 of 4 stars). 2 submissions from 2 submitters: Uncertain significance (2). Last evaluated 2025-08-07.

Allele frequency attached by ClinVar (database versions not stated): ESP Exome Variant Server 0.00008; gnomAD exomes 0.00010 and 0.00015; TOPMed 0.00010; 1000 Genomes Project 30x 0.00016; gnomAD 0.00011 and 0.00013; ExAC 0.00013; 1000 Genomes Project 0.00020.
gnomAD v4.1: 155 of 1,613,804 alleles (0.0096%); highest among the groups gnomAD compares: South Asian, 0.078%; no homozygotes.

Submissions (2):

GeneDx
Classification: Uncertain significance. Last evaluated: 2025-08-07. Review status: criteria provided, single submitter. Criteria: GeneDx Variant Classification Process June 2021. Collection method: clinical testing. Allele origin: germline. Affected: yes.
Comment: In silico analysis suggests that this missense variant does not alter protein structure/function; Has not been previously published as pathogenic or benign to our knowledge

Ambry Genetics
Classification: Uncertain significance. Last evaluated: 2025-02-07. Review status: criteria provided, single submitter. Criteria: Ambry Variant Classification Scheme 2023. Collection method: clinical testing. Allele origin: germline.

NM_020117.11(LARS1):c.3409G>A (p.Glu1137Lys)

Gene: LARS1 (leucyl-tRNA synthetase 1; minus strand). Cytogenetic location: 5q32.
Variant type: single nucleotide variant.
Coding change: c.3409G>A on transcript NM_020117.11 (MANE Select); coding-DNA position 3409, G replaced by A.
Protein change: p.Glu1137Lys; replaces glutamic acid 1137 with lysine.
Molecular consequence: missense variant.
Genome position (GRCh38, 1-based): chr5:146,114,228, C>T on the plus strand (G>A on the coding strand, the complement: LARS1 is on the minus strand). VCF-style: chr5-146114228-C-T. GRCh37 (hg19) VCF-style: chr5-145493791-C-T.
Other names: c.3271G>A, p.Glu1091Lys (NM_001317964.2); c.3247G>A, p.Glu1083Lys (NM_001317965.2); c.3328G>A, p.Glu1110Lys (NM_016460.4); short protein forms E1137K, E1083K, E1110K, E1091K.
Identifiers: ClinVar variation 379869 (VCV000379869.3), dbSNP rs201386463, ClinGen allele CA3489035.